The following is an entry in ClinVar:

ClinVar aggregate classification (germline): Likely benign (1 of 4 stars; one submission).

Allele frequency attached by ClinVar (database versions not stated): gnomAD exomes below 0.00001; gnomAD 0.00001 and 0.00002; TOPMed 0.00004; 1000 Genomes Project 30x 0.00047.
gnomAD v4.1: 4 of 398,816 alleles (0.001%); highest among the groups gnomAD compares: African/African-American, 0.0082%; no homozygotes.

Submission:

GeneDx
Classification: Likely benign. Last evaluated: 2018-03-27. Review status: criteria provided, single submitter. Criteria: GeneDx Variant Classification (06012015). Collection method: clinical testing. Allele origin: germline. Affected: yes.
Comment: This variant is considered likely benign or benign based on one or more of the following criteria: it is a conservative change, it occurs at a poorly conserved position in the protein, it is predicted to be benign by multiple in silico algorithms, and/or has population frequency not consistent with disease.

NM_000368.5(TSC1):c.-156G>A

Gene: TSC1 (TSC complex subunit 1; minus strand). Cytogenetic location: 9q34.13.
Variant type: single nucleotide variant.
Coding change: c.-156G>A on transcript NM_000368.5 (MANE Select); 156 bases upstream of the start codon, G replaced by A.
Molecular consequence: 5 prime UTR variant.
Genome position (GRCh38, 1-based): chr9:132,944,555, C>T on the plus strand (G>A on the coding strand, the complement: TSC1 is on the minus strand). VCF-style: chr9-132944555-C-T. GRCh37 (hg19) VCF-style: chr9-135819942-C-T.
Other names: c.-156G>A (NM_001162426.2, NM_001162427.2); c.-415G>A (NM_001362177.2).
Identifiers: ClinVar variation 681118 (VCV000681118.1), dbSNP rs1219710576, ClinGen allele CA591053500.